The following is an entry in ClinVar:

NM_003482.4(KMT2D):c.6446C>G (p.Ser2149Trp)

Gene: KMT2D (lysine methyltransferase 2D; minus strand). Cytogenetic location: 12q13.12.
Variant type: single nucleotide variant.
Coding change: c.6446C>G on transcript NM_003482.4 (MANE Select); coding-DNA position 6446, C replaced by G.
Protein change: p.Ser2149Trp; replaces serine 2149 with tryptophan.
Molecular consequence: missense variant.
Genome position (GRCh38, 1-based): chr12:49,041,324, G>C on the plus strand (C>G on the coding strand, the complement: KMT2D is on the minus strand). VCF-style: chr12-49041324-G-C. GRCh37 (hg19) VCF-style: chr12-49435107-G-C.
Other names: short protein forms S2149W.
Identifiers: ClinVar variation 4751171 (VCV004751171.1).

ClinVar aggregate classification (germline): Uncertain significance (1 of 4 stars; one submission).

Conditions:
Kabuki syndrome. Also called: NIIKAWA-KUROKI SYNDROME; Kabuki make-up syndrome. Identifiers: Orphanet 2322, MedGen C0796004, MONDO:0016512.

gnomAD v4.1: 3 of 1,539,030 alleles (0.00019%); highest among the groups gnomAD compares: Non-Finnish European, 0.000087%; no homozygotes.

Submission:

Labcorp Genetics (formerly Invitae), Labcorp
Classification: Uncertain significance for Kabuki syndrome. Last evaluated: 2025-06-11. Review status: criteria provided, single submitter. Criteria: Invitae Variant Classification Sherloc (09022015). Collection method: clinical testing. Allele origin: germline.
Comment: This sequence change replaces serine, which is neutral and polar, with tryptophan, which is neutral and slightly polar, at codon 2149 of the KMT2D protein (p.Ser2149Trp). This variant is not present in population databases (gnomAD no frequency). This variant has not been reported in the literature in individuals affected with KMT2D-related conditions. Invitae Evidence Modeling of protein sequence and biophysical properties (such as structural, functional, and spatial information, amino acid conservation, physicochemical variation, residue mobility, and thermodynamic stability) indicates that this missense variant is not expected to disrupt KMT2D protein function with a negative predictive value of 95%. In summary, the available evidence is currently insufficient to determine the role of this variant in disease. Therefore, it has been classified as a Variant of Uncertain Significance.